The following is an entry in ClinVar:

NM_012452.3(TNFRSF13B):c.198C>A (p.Cys66Ter)

Gene: TNFRSF13B (TNF receptor superfamily member 13B; minus strand). Cytogenetic location: 17p11.2.
Variant type: single nucleotide variant.
Coding change: c.198C>A on transcript NM_012452.3 (MANE Select); coding-DNA position 198, C replaced by A.
Protein change: p.Cys66Ter; replaces cysteine 66 with a stop codon.
Molecular consequence: nonsense.
Genome position (GRCh38, 1-based): chr17:16,952,447, G>T on the plus strand (C>A on the coding strand, the complement: TNFRSF13B is on the minus strand). VCF-style: chr17-16952447-G-T. GRCh37 (hg19) VCF-style: chr17-16855761-G-T.
Other names: short protein forms C66*.
Identifiers: ClinVar variation 840923 (VCV000840923.12), dbSNP rs144718007, ClinGen allele CA8414090.
Genomic context (GRCh38, chr17:16,952,447, plus strand): 5'-CTAGGGAGAAAGGAGGAGGGTGATCACACTGTCCCCTCGGCTCAGGCCCCAGAACTCACT[G>T]CAGAAGGCTGCACAGGTGCGCTGGCTCTGATGGTTGCAAATGGTTTTGCAGGACATGCAG-3'

ClinVar aggregate classification (germline): Pathogenic. Review status: criteria provided, multiple submitters, no conflicts (2 of 4 stars). 4 submissions from 4 submitters: Pathogenic (4). Last evaluated 2025-12-10.

Conditions:
Immunodeficiency, common variable, 2 (CVID2). Also called: ANTIBODY DEFICIENCY DUE TO TACI DEFECT; HYPOGAMMAGLOBULINEMIA DUE TO TACI DEFICIENCY. Identifiers: Orphanet 1572, MedGen C3150354, MONDO:0009413, OMIM 240500.
Immunoglobulin A deficiency 2 (IGAD2). Identifiers: MedGen C1836032, MONDO:0012291, OMIM 609529.

Allele frequency attached by ClinVar (database versions not stated): ExAC 0.00001; gnomAD exomes 0.00003; gnomAD 0.00004 and 0.00005; TOPMed 0.00007; 1000 Genomes Project 30x 0.00016; 1000 Genomes Project 0.00020.
gnomAD v4.1: 28 of 1,614,098 alleles (0.0017%); highest among the groups gnomAD compares: Middle Eastern, 0.033%; no homozygotes.

Submissions (4):

Labcorp Genetics (formerly Invitae), Labcorp
Classification: Pathogenic for Immunodeficiency, common variable, 2. Last evaluated: 2025-12-10. Review status: criteria provided, single submitter. Criteria: Invitae Variant Classification Sherloc (09022015). Collection method: clinical testing. Allele origin: germline.
Comment: This sequence change creates a premature translational stop signal (p.Cys66*) in the TNFRSF13B gene. It is expected to result in an absent or disrupted protein product. Loss-of-function variants in TNFRSF13B are known to be pathogenic (PMID: 16007087, 27123465). This variant is present in population databases (rs144718007, gnomAD 0.01%). This variant has not been reported in the literature in individuals affected with TNFRSF13B-related conditions. ClinVar contains an entry for this variant (Variation ID: 840923). For these reasons, this variant has been classified as Pathogenic.

Victorian Clinical Genetics Services, Murdoch Childrens Research Institute
Classification: Pathogenic for Immunodeficiency, common variable, 2. Last evaluated: 2024-09-21. Review status: criteria provided, single submitter. Criteria: ACMG Guidelines, 2015. Collection method: clinical testing. Allele origin: germline. Inheritance: Autosomal dominant inheritance. Affected: yes.
Comment: Based on the classification scheme VCGS_Germline_v1.3.4, this variant is classified as Pathogenic. Following criteria are met: 0102 - Loss of function is a known mechanism of disease in this gene and is associated with common variable immunodeficiency 2 (MIM#240500) and immunoglobulin A deficiency 2 (MIM#609529). (I) 0108 - This gene is associated with both recessive and dominant disease (OMIM). (I) 0112 - The condition associated with this gene has incomplete penetrance. Asymptomatic individuals with monoallelic or biallelic variants have been reported (PMIDs: 34210994, 34441032). (I) 0115 - Variants in this gene are known to have variable expressivity (PMID: 34210994). (I) 0201 - Variant is predicted to cause nonsense-mediated decay (NMD) and loss of protein (premature termination codon is located at least 54 nucleotides upstream of the final exon-exon junction). (SP) 0251 - This variant is heterozygous. (I) 0304 - Variant is present in gnomAD <0.01 (v3: 7 heterozygotes, 0 homozygotes). (SP) 0701 - Other NMD-predicted variants comparable to the one identified in this case have very strong previous evidence for pathogenicity. Many NMD-predicted variants have previously been reported as pathogenic in patients with TNFRSF13B-related features (DECIPHER). (SP) 0801 - This variant has strong previous evidence of pathogenicity in unrelated individuals. This variant has been reported in six individuals (four heterozygotes, one homozygote and one unspecified) with TNFRSF13B-related features (ClinVar, PMIDs: 27123465, 33046446, 34787773). (SP) 0905 - No published segregation evidence has been identified for this variant. (I) 1007 - No published functional evidence has been identified for this variant. (I) 1208 - Inheritance information for this variant is not currently available in this individual. (I) Legend: (SP) - Supporting pathogenic, (I) - Information, (SB) - Supporting benign

3billion
Classification: Pathogenic for Immunodeficiency, common variable, 2. Last evaluated: 2022-09-01. Review status: criteria provided, single submitter. Criteria: ACMG Guidelines, 2015. Collection method: clinical testing. Allele origin: germline. Affected: yes. Observed: 1 heterozygote.
Comment: The variant is observed at an extremely low frequency in the gnomAD v2.1.1 dataset (total allele frequency: 0.003%). Stop-gained (nonsense) is predicted to result in a loss or disruption of normal protein function through nonsense-mediated decay (NMD) or protein truncation. Multiple pathogenic variants are reported downstream of the variant. The variant has been reported at least twice as pathogenic without evidence for the classification (ClinVar ID: VCV000840923). Therefore, this variant is classified as Pathogenic according to the recommendation of ACMG/AMP guideline.

Institute of Human Genetics Munich, TUM University Hospital
Classification: Pathogenic for Immunoglobulin A deficiency 2. Last evaluated: 2020-03-02. Review status: criteria provided, single submitter. Criteria: Classification criteria August 2017. Collection method: clinical testing. Allele origin: inherited. Inheritance: Autosomal recessive inheritance. Affected: yes. Observed: 1 homozygote.

Literature cited by the submitters: PubMed 16007087 (cited by Labcorp Genetics (formerly Invitae), Labcorp); PubMed 27123465 (cited by Labcorp Genetics (formerly Invitae), Labcorp and Victorian Clinical Genetics Services, Murdoch Childrens Research Institute); PubMed 33046446 (cited by Victorian Clinical Genetics Services, Murdoch Childrens Research Institute); PubMed 34210994 (cited by Victorian Clinical Genetics Services, Murdoch Childrens Research Institute); PubMed 34441032 (cited by Victorian Clinical Genetics Services, Murdoch Childrens Research Institute); PubMed 34787773 (cited by Victorian Clinical Genetics Services, Murdoch Childrens Research Institute).